The following is an entry in ClinVar:

ClinVar aggregate classification (germline): Conflicting classifications of pathogenicity. Review status: criteria provided, conflicting classifications (1 of 4 stars). 2 submissions from 2 submitters: Uncertain significance (1); Likely benign (1). Last evaluated 2025-05-30.

Conditions:
Inborn genetic diseases. Identifiers: MedGen C0950123, MeSH D030342.

Allele frequency attached by ClinVar (database versions not stated): ExAC 0.00001; gnomAD 0.00001; TOPMed 0.00001.
gnomAD v4.1: 3 of 1,613,772 alleles (0.00019%); highest among the groups gnomAD compares: African/African-American, 0.0027%; no homozygotes.

Submissions (2):

Ambry Genetics
Classification: Likely benign for Inborn genetic diseases. Last evaluated: 2025-05-30. Review status: criteria provided, single submitter. Criteria: Ambry Variant Classification Scheme 2023. Collection method: clinical testing. Allele origin: germline.

GeneDx
Classification: Uncertain significance. Last evaluated: 2023-03-22. Review status: criteria provided, single submitter. Criteria: GeneDx Variant Classification Process June 2021. Collection method: clinical testing. Allele origin: germline. Affected: yes.
Comment: Not observed at significant frequency in large population cohorts (gnomAD); In silico analysis supports that this missense variant does not alter protein structure/function; Has not been previously published as pathogenic or benign to our knowledge

NM_015386.3(COG4):c.61T>C (p.Ser21Pro)

Gene: COG4 (component of oligomeric golgi complex 4; minus strand). Cytogenetic location: 16q22.1.
Variant type: single nucleotide variant.
Coding change: c.61T>C on transcript NM_015386.3 (MANE Select); coding-DNA position 61, T replaced by C.
Protein change: p.Ser21Pro; replaces serine 21 with proline.
Molecular consequence: missense variant. On other transcripts: 5 prime UTR variant (1), non-coding transcript variant (1).
Genome position (GRCh38, 1-based): chr16:70,523,483, A>G on the plus strand (T>C on the coding strand, the complement: COG4 is on the minus strand). VCF-style: chr16-70523483-A-G. GRCh37 (hg19) VCF-style: chr16-70557386-A-G.
Other names: c.49T>C, p.Ser17Pro (NM_001195139.2); c.-539T>C (NM_001365426.1); c.61T>C (NM_015386.2); short protein forms S17P, S21P.
Identifiers: ClinVar variation 2580658 (VCV002580658.2), dbSNP rs752722792, ClinGen allele CA8144841.